The following is an entry in ClinVar:

NM_000257.4(MYH7):c.1184T>G (p.Leu395Arg)

Gene: MYH7 (myosin heavy chain 7; minus strand). Cytogenetic location: 14q11.2.
Variant type: single nucleotide variant.
Coding change: c.1184T>G on transcript NM_000257.4 (MANE Select); coding-DNA position 1184, T replaced by G.
Protein change: p.Leu395Arg; replaces leucine 395 with arginine.
Molecular consequence: missense variant.
Genome position (GRCh38, 1-based): chr14:23,429,302, A>C on the plus strand (T>G on the coding strand, the complement: MYH7 is on the minus strand). VCF-style: chr14-23429302-A-C. GRCh37 (hg19) VCF-style: chr14-23898511-A-C.
Other names: c.1184T>G (LRG_384t1); short protein forms L395R.
Identifiers: ClinVar variation 519201 (VCV000519201.9), dbSNP rs1555338374, ClinGen allele CA389051166.
Genomic context (GRCh38, chr14:23,429,302, plus strand): 5'-TGCCCCTTGGTGACGTACTCATTGCCCACTTTCACCCGAGGGTGGCACAGCCCCTTGAGC[A>C]GGTCGGCTGAGTTCAGCCCCATGAGGTAGGCAGACTTGTCAGCCTCTGGAAGGAAAAGGC-3'
Protein context (NP_000248.2, residues 385-405): AYLMGLNSAD[Leu395Arg]LKGLCHPRVK

ClinVar aggregate classification (germline): Uncertain significance. Review status: criteria provided, multiple submitters, no conflicts (2 of 4 stars). 2 submissions from 2 submitters: Uncertain significance (2). Last evaluated 2026-02-24.

Conditions:
Cardiovascular phenotype. Identifiers: MedGen CN230736.
Hypertrophic cardiomyopathy. Also called: HYPERTROPHIC MYOCARDIOPATHY. Identifiers: Orphanet 217569, MedGen C0007194, MeSH D002312, MONDO:0005045, HP:0001639.

Submissions (2):

Ambry Genetics
Classification: Uncertain significance for Cardiovascular phenotype. Last evaluated: 2026-02-24. Review status: criteria provided, single submitter. Criteria: Ambry Variant Classification Scheme 2023. Collection method: clinical testing. Allele origin: germline.
Comment: The p.L395R variant (also known as c.1184T>G), located in coding exon 11 of the MYH7 gene, results from a T to G substitution at nucleotide position 1184. The leucine at codon 395 is replaced by arginine, an amino acid with dissimilar properties. This amino acid position is highly conserved in available vertebrate species. In addition, this alteration is predicted to be deleterious by in silico analysis. Based on the available evidence, the clinical significance of this variant remains unclear.

Labcorp Genetics (formerly Invitae), Labcorp
Classification: Uncertain significance for Hypertrophic cardiomyopathy. Last evaluated: 2023-11-22. Review status: criteria provided, single submitter. Criteria: Invitae Variant Classification Sherloc (09022015). Collection method: clinical testing. Allele origin: germline.
Comment: This sequence change replaces leucine, which is neutral and non-polar, with arginine, which is basic and polar, at codon 395 of the MYH7 protein (p.Leu395Arg). This variant is not present in population databases (gnomAD no frequency). This variant has not been reported in the literature in individuals affected with MYH7-related conditions. ClinVar contains an entry for this variant (Variation ID: 519201). Advanced modeling of protein sequence and biophysical properties (such as structural, functional, and spatial information, amino acid conservation, physicochemical variation, residue mobility, and thermodynamic stability) performed at Invitae indicates that this missense variant is expected to disrupt MYH7 protein function with a positive predictive value of 95%. In summary, the available evidence is currently insufficient to determine the role of this variant in disease. Therefore, it has been classified as a Variant of Uncertain Significance.